The following is an entry in ClinVar:

ClinVar aggregate classification (germline): Uncertain significance (1 of 4 stars; one submission).

Submission:

Labcorp Genetics (formerly Invitae), Labcorp
Classification: Uncertain significance. Last evaluated: 2021-11-04. Review status: criteria provided, single submitter. Criteria: Invitae Variant Classification Sherloc (09022015). Collection method: clinical testing. Allele origin: germline.
Comment: In summary, the available evidence is currently insufficient to determine the role of this variant in disease. Therefore, it has been classified as a Variant of Uncertain Significance. Variants that disrupt the consensus splice site are a relatively common cause of aberrant splicing (PMID: 17576681, 9536098). Algorithms developed to predict the effect of sequence changes on RNA splicing suggest that this variant may disrupt the consensus splice site. This variant has not been reported in the literature in individuals affected with EFEMP1-related conditions. This variant is not present in population databases (gnomAD no frequency). This sequence change affects codon 27 of the EFEMP1 mRNA. It is a 'silent' change, meaning that it does not change the encoded amino acid sequence of the EFEMP1 protein. This variant also falls at the last nucleotide of exon 3, which is part of the consensus splice site for this exon.

Literature cited by the submitters: PubMed 17576681; PubMed 9536098.

NM_001039348.3(EFEMP1):c.81G>A (p.Thr27=)

Gene: EFEMP1 (EGF-like fibulin extracellular matrix protein 1; minus strand). Cytogenetic location: 2p16.1.
Variant type: single nucleotide variant.
Coding change: c.81G>A on transcript NM_001039348.3 (MANE Select); coding-DNA position 81, G replaced by A.
Protein change: p.Thr27=; no amino-acid change (threonine 27 retained).
Molecular consequence: synonymous variant.
Genome position (GRCh38, 1-based): chr2:55,922,360, C>T on the plus strand (G>A on the coding strand, the complement: EFEMP1 is on the minus strand). VCF-style: chr2-55922360-C-T. GRCh37 (hg19) VCF-style: chr2-56149495-C-T.
Other names: c.81G>A, p.Thr27= (NM_001039349.3).
Identifiers: ClinVar variation 1402152 (VCV001402152.6), dbSNP rs2104458449, ClinGen allele CA426224864.